The following is an entry in ClinVar:

ClinVar aggregate classification (germline): Uncertain significance. Review status: criteria provided, multiple submitters, no conflicts (2 of 4 stars). 3 submissions from 3 submitters: Uncertain significance (3). Last evaluated 2025-05-31.

Conditions:
Charcot-Marie-Tooth disease type 2E (CMT2E). Also called: CHARCOT-MARIE-TOOTH DISEASE, AXONAL, TYPE 2E; CHARCOT-MARIE-TOOTH NEUROPATHY, TYPE 2E. Identifiers: Orphanet 99939, MedGen C1843225, MONDO:0011894, OMIM 607684.
Charcot-Marie-Tooth disease. Also called: Charcot-Marie-Tooth Hereditary Neuropathy; Charcot-Marie-Tooth Neuropathy. Identifiers: Orphanet 166, MedGen C0007959, MONDO:0015626.

Allele frequency attached by ClinVar (database versions not stated): TOPMed 0.00001.

Submissions (3):

Labcorp Genetics (formerly Invitae), Labcorp
Classification: Uncertain significance for Charcot-Marie-Tooth disease type 2E. Last evaluated: 2025-05-31. Review status: criteria provided, single submitter. Criteria: Invitae Variant Classification Sherloc (09022015). Collection method: clinical testing. Allele origin: germline.
Comment: This sequence change replaces threonine, which is neutral and polar, with serine, which is neutral and polar, at codon 170 of the NEFL protein (p.Thr170Ser). This variant is present in population databases (rs541360328, gnomAD 0.07%). This missense change has been observed in individual(s) with clinical features of Charcot-Marie-Tooth disease (PMID: 32376792). ClinVar contains an entry for this variant (Variation ID: 669317). Invitae Evidence Modeling of protein sequence and biophysical properties (such as structural, functional, and spatial information, amino acid conservation, physicochemical variation, residue mobility, and thermodynamic stability) indicates that this missense variant is not expected to disrupt NEFL protein function with a negative predictive value of 80%. In summary, the available evidence is currently insufficient to determine the role of this variant in disease. Therefore, it has been classified as a Variant of Uncertain Significance.

GeneDx
Classification: Uncertain significance. Last evaluated: 2024-12-10. Review status: criteria provided, single submitter. Criteria: GeneDx Variant Classification Process June 2021. Collection method: clinical testing. Allele origin: germline. Affected: yes.
Comment: In silico analysis indicates that this missense variant does not alter protein structure/function; Reported previously as a variant of uncertain significance in a patient with suspected Charcot-Marie-Tooth disease; however, no further clinical or segregation information was provided (PMID: 32376792); This variant is associated with the following publications: (PMID: 32376792)

Molecular Genetics Laboratory, London Health Sciences Centre
Classification: Uncertain significance for Charcot-Marie-Tooth disease. Review status: criteria provided, single submitter. Criteria: ACMG Guidelines, 2015. Collection method: clinical testing. Allele origin: germline. Affected: yes.

Literature cited by the submitters: PubMed 32376792 (cited by Labcorp Genetics (formerly Invitae), Labcorp).

NM_006158.5(NEFL):c.509C>G (p.Thr170Ser)

Gene: NEFL (neurofilament light chain; minus strand). Cytogenetic location: 8p21.2.
Variant type: single nucleotide variant.
Coding change: c.509C>G on transcript NM_006158.5 (MANE Select); coding-DNA position 509, C replaced by G.
Protein change: p.Thr170Ser; replaces threonine 170 with serine.
Molecular consequence: missense variant.
Genome position (GRCh38, 1-based): chr8:24,956,007, G>C on the plus strand (C>G on the coding strand, the complement: NEFL is on the minus strand). VCF-style: chr8-24956007-G-C. GRCh37 (hg19) VCF-style: chr8-24813521-G-C.
Other names: short protein forms T170S.
Identifiers: ClinVar variation 669317 (VCV000669317.4), dbSNP rs541360328, ClinGen allele CA4681488.